The following is an entry in ClinVar:

ClinVar aggregate classification (germline): Uncertain significance (1 of 4 stars; one submission).

gnomAD v4.1: 3 of 1,613,428 alleles (0.00019%); highest among the groups gnomAD compares: Non-Finnish European, 0.00025%; no homozygotes.

Submission:

Labcorp Genetics (formerly Invitae), Labcorp
Classification: Uncertain significance. Last evaluated: 2024-10-15. Review status: criteria provided, single submitter. Criteria: Invitae Variant Classification Sherloc (09022015). Collection method: clinical testing. Allele origin: germline.
Comment: This sequence change replaces valine, which is neutral and non-polar, with isoleucine, which is neutral and non-polar, at codon 4604 of the ADGRV1 protein (p.Val4604Ile). This variant is present in population databases (no rsID available, gnomAD 0.0009%). This variant has not been reported in the literature in individuals affected with ADGRV1-related conditions. Invitae Evidence Modeling of protein sequence and biophysical properties (such as structural, functional, and spatial information, amino acid conservation, physicochemical variation, residue mobility, and thermodynamic stability) indicates that this missense variant is not expected to disrupt ADGRV1 protein function with a negative predictive value of 95%. In summary, the available evidence is currently insufficient to determine the role of this variant in disease. Therefore, it has been classified as a Variant of Uncertain Significance.

NM_032119.4(ADGRV1):c.13810G>A (p.Val4604Ile)

Gene: ADGRV1 (adhesion G protein-coupled receptor V1; plus strand). Cytogenetic location: 5q14.3.
Variant type: single nucleotide variant.
Coding change: c.13810G>A on transcript NM_032119.4 (MANE Select); coding-DNA position 13810, G replaced by A.
Protein change: p.Val4604Ile; replaces valine 4604 with isoleucine.
Molecular consequence: missense variant. On other transcripts: non-coding transcript variant (1).
Genome position (GRCh38, 1-based): chr5:90,788,227, G>A. VCF-style: chr5-90788227-G-A. GRCh37 (hg19) VCF-style: chr5-90084044-G-A.
Other names: short protein forms V4604I.
Identifiers: ClinVar variation 3674672 (VCV003674672.2).